The following is an entry in ClinVar:

NM_001365276.2(TNXB):c.5932C>A (p.Pro1978Thr)

Gene: TNXB (tenascin XB; minus strand). Cytogenetic location: 6p21.33.
Variant type: single nucleotide variant.
Coding change: c.5932C>A on transcript NM_001365276.2 (MANE Select); coding-DNA position 5932, C replaced by A.
Protein change: p.Pro1978Thr; replaces proline 1978 with threonine.
Molecular consequence: missense variant.
Genome position (GRCh38, 1-based): chr6:32,068,678, G>T on the plus strand (C>A on the coding strand, the complement: TNXB is on the minus strand). VCF-style: chr6-32068678-G-T. GRCh37 (hg19) VCF-style: chr6-32036455-G-T.
Other names: c.5932C>A, p.Pro1978Thr (NM_019105.8); short protein forms P1978T.
Identifiers: ClinVar variation 1750583 (VCV001750583.5), dbSNP rs769676960, ClinGen allele CA3734571.

ClinVar aggregate classification (germline): Uncertain significance. Review status: criteria provided, multiple submitters, no conflicts (2 of 4 stars). 3 submissions from 3 submitters: Uncertain significance (3). Last evaluated 2026-03-16.

Conditions:
Cardiovascular phenotype. Identifiers: MedGen CN230736.

Allele frequency attached by ClinVar (database versions not stated): gnomAD 0.00001; gnomAD exomes 0.00001; TOPMed 0.00001; ExAC 0.00002.
gnomAD v4.1: 8 of 1,613,754 alleles (0.0005%); highest among the groups gnomAD compares: Non-Finnish European, 0.00068%; no homozygotes.

Submissions (3):

Women's Health and Genetics/Laboratory Corporation of America, LabCorp
Classification: Uncertain significance. Last evaluated: 2026-03-16. Review status: criteria provided, single submitter. Criteria: LabCorp Variant Classification Summary - May 2015. Collection method: clinical testing. Allele origin: germline.
Comment: Variant summary: TNXB c.5932C>A (p.Pro1978Thr) results in a non-conservative amino acid change in the encoded protein sequence. Algorithms developed to predict the effect of missense changes on protein structure and function are either unavailable or do not agree on the potential impact of this missense change. The variant allele was found at a frequency of 8e-06 in 248742 control chromosomes. The available data on variant occurrences in the general population are insufficient to allow any conclusion about variant significance. To our knowledge, no occurrence of c.5932C>A in individuals affected with TNXB-related conditions and no experimental evidence demonstrating its impact on protein function have been reported. ClinVar contains an entry for this variant (Variation ID: 1750583). Based on the evidence outlined above, the variant was classified as uncertain significance.

Ambry Genetics
Classification: Uncertain significance for Cardiovascular phenotype. Last evaluated: 2025-05-05. Review status: criteria provided, single submitter. Criteria: Ambry Variant Classification Scheme 2023. Collection method: clinical testing. Allele origin: germline.
Comment: The p.P1978T variant (also known as c.5932C>A), located in coding exon 16 of the TNXB gene, results from a C to A substitution at nucleotide position 5932. The proline at codon 1978 is replaced by threonine, an amino acid with highly similar properties. This amino acid position is conserved. In addition, this alteration is predicted to be tolerated by in silico analysis. Since supporting evidence is limited at this time, the clinical significance of this alteration remains unclear.

GeneDx
Classification: Uncertain significance. Last evaluated: 2022-05-23. Review status: criteria provided, single submitter. Criteria: GeneDx Variant Classification Process June 2021. Collection method: clinical testing. Allele origin: germline. Affected: yes.
Comment: Has not been previously published as pathogenic or benign to our knowledge; Not observed at significant frequency in large population cohorts (gnomAD); In silico analysis supports that this missense variant does not alter protein structure/function